The following is an entry in ClinVar:

NM_000368.5(TSC1):c.1997+1G>C

Gene: TSC1 (TSC complex subunit 1; minus strand). Cytogenetic location: 9q34.13.
Variant type: single nucleotide variant.
Coding change: c.1997+1G>C on transcript NM_000368.5 (MANE Select); the canonical splice donor site of the intron after coding-DNA position 1997, G replaced by C.
Molecular consequence: splice donor variant.
Genome position (GRCh38, 1-based): chr9:132,905,580, C>G on the plus strand (G>C on the coding strand, the complement: TSC1 is on the minus strand). VCF-style: chr9-132905580-C-G. GRCh37 (hg19) VCF-style: chr9-135780967-C-G.
Other names: c.1634+1G>C (NM_001406618.1, NM_001406617.1, NM_001406619.1 and 5 more transcripts); c.1631+1G>C (NM_001406625.1, NM_001406621.1, NM_001406620.1 and 2 more transcripts); c.1841+1G>C (NM_001406613.1, NM_001406612.1, NM_001406611.1); c.1844+1G>C (NM_001406610.1, NM_001162427.2); c.1043+1G>C (NM_001406627.1, NM_001406628.1); c.944+1G>C (NM_001406629.1, NM_001406630.1); c.1994+1G>C (NM_001406603.1, NM_001406609.1, NM_001406597.1 and 6 more transcripts); c.1997+1G>C (NM_001406602.1, NM_001406606.1, NM_001406592.1 and 7 more transcripts); and 1 more.
Identifiers: ClinVar variation 48864 (VCV000048864.3), dbSNP rs118203610, ClinGen allele CA005716.

ClinVar aggregate classification (germline): Likely pathogenic. Review status: criteria provided, single submitter (1 of 4 stars). 2 submissions from 2 submitters: Likely pathogenic (1). 1 of the submissions does not count toward it. Last evaluated 2025-07-07.

Conditions:
Tuberous sclerosis syndrome (TSC). Also called: Tuberous Sclerosis Complex; Tuberous sclerosis. Identifiers: Orphanet 805, MedGen C0041341, MONDO:0001734.
Tuberous sclerosis 1 (TSC1). Identifiers: Orphanet 805, MedGen C1854465, MONDO:0008612, OMIM 191100.

Submissions (2):

Clinical Genomics Laboratory, Washington University in St. Louis
Classification: Likely pathogenic for Tuberous sclerosis 1. Last evaluated: 2025-07-07. Review status: criteria provided, single submitter. Criteria: ACMG Guidelines, 2015. Collection method: clinical testing. Allele origin: germline. Affected: yes.
Comment: The TSC1 c.1997+1G>C variant, to our knowledge, has not been reported in the medical literature but has been reported in the ClinVar database as a germline variant without classification by one submitter (Variation ID: 48864). This variant is absent from the general population (gnomAD v.4.1.0), indicating it is not a common variant. This variant occurs within the canonical splice donor site, which is predicted to cause skipping of the exon, leading to an out of frame transcript. Based on available information and the ACMG/AMP guidelines for variant interpretation (Richards S et al., PMID: 25741868), this variant is classified as likely pathogenic.

Tuberous sclerosis database (TSC1)
No classification provided. Condition: TSC. Review status: no classification provided. Criteria: Tuberous Sclerosis Database Assertion Criteria 2015. Collection method: curation. Allele origin: germline. Affected: yes. Not counted in ClinVar's aggregate classification.